The following is an entry in ClinVar:

NM_015629.4(PRPF31):c.1462_1472del (p.Lys488fs)

Gene: PRPF31 (pre-mRNA processing factor 31; plus strand). Cytogenetic location: 19q13.42.
Variant type: Deletion.
Coding change: c.1462_1472del on transcript NM_015629.4 (MANE Select); coding-DNA positions 1462 to 1472, 11 bases deleted (AAGGTCAAGGG).
Protein change: p.Lys488fs; shifts the reading frame from lysine 488.
Molecular consequence: frameshift variant.
Genome position (GRCh38, 1-based): chr19:54,131,394-54,131,404, AAGGTCAAGGG deleted. VCF-style (leftmost placement, unchanged base first): chr19-54131393-CAAGGTCAAGGG-C. GRCh37 (hg19) VCF-style: chr19-54634824-CAAGGTCAAGGG-C.
Other names: short protein forms K488fs.
Identifiers: ClinVar variation 1275813 (VCV001275813.3), dbSNP rs2146458114, ClinGen allele CA2499225600.

ClinVar aggregate classification (germline): Pathogenic/Likely pathogenic. Review status: criteria provided, multiple submitters, no conflicts (2 of 4 stars). 2 submissions from 2 submitters: Pathogenic (1); Likely pathogenic (1). Last evaluated 2025-10-06.

Submissions (2):

Labcorp Genetics (formerly Invitae), Labcorp
Classification: Pathogenic. Last evaluated: 2025-10-06. Review status: criteria provided, single submitter. Criteria: Invitae Variant Classification Sherloc (09022015). Collection method: clinical testing. Allele origin: germline.
Comment: This sequence change is expected to alter the c-terminus of the PRPF31 protein (p.Lys488Argfs*75). While this is not anticipated to result in nonsense mediated decay, it is expected to disrupt the last 12 amino acid(s) of the PRPF31 protein and extend the protein by 62 additional amino acid residues. This variant is not present in population databases (gnomAD no frequency). This frameshift has been observed in individuals with autosomal dominant retinitis pigmentosa (PMID: 29847639, 32036094, 36819107, 37734845). ClinVar contains an entry for this variant (Variation ID: 1275813). Algorithms developed to predict the effect of sequence changes on RNA splicing suggest that this variant may create or strengthen a splice site. For these reasons, this variant has been classified as Pathogenic.

Institute of Medical Genetics and Applied Genomics, University Hospital Tübingen
Classification: Likely pathogenic. Last evaluated: 2021-09-15. Review status: criteria provided, single submitter. Criteria: ACMG Guidelines, 2015. Collection method: clinical testing. Allele origin: germline. Inheritance: Autosomal dominant inheritance. Affected: yes.

Literature cited by the submitters: PubMed 29847639 (cited by Labcorp Genetics (formerly Invitae), Labcorp); PubMed 32036094 (cited by Labcorp Genetics (formerly Invitae), Labcorp); PubMed 36819107 (cited by Labcorp Genetics (formerly Invitae), Labcorp); PubMed 37734845 (cited by Labcorp Genetics (formerly Invitae), Labcorp).